The following is an entry in ClinVar:

NM_018699.4(PRDM5):c.1443+5G>A

Gene: PRDM5 (PR/SET domain 5; minus strand). Cytogenetic location: 4q27.
Variant type: single nucleotide variant.
Coding change: c.1443+5G>A on transcript NM_018699.4 (MANE Select); 5 bases into the intron after coding-DNA position 1443, G replaced by A.
Molecular consequence: intron variant.
Genome position (GRCh38, 1-based): chr4:120,781,138, C>T on the plus strand (G>A on the coding strand, the complement: PRDM5 is on the minus strand). VCF-style: chr4-120781138-C-T. GRCh37 (hg19) VCF-style: chr4-121702293-C-T.
Other names: c.1350+5G>A (NM_001300824.2, NM_001379106.1, NM_001300823.2); c.1476+5G>A (NM_001379104.1).
Identifiers: ClinVar variation 1772732 (VCV001772732.2), dbSNP rs2477147414, ClinGen allele CA2580071422.

ClinVar aggregate classification (germline): Uncertain significance (1 of 4 stars; one submission).

Conditions:
Cardiovascular phenotype. Identifiers: MedGen CN230736.

Submission:

Ambry Genetics
Classification: Uncertain significance for Cardiovascular phenotype. Last evaluated: 2021-08-30. Review status: criteria provided, single submitter. Criteria: Ambry Variant Classification Scheme 2023. Collection method: clinical testing. Allele origin: germline.
Comment: The c.1443+5G>A intronic variant results from a G to A substitution 5 nucleotides after coding exon 12 in the PRDM5 gene. This nucleotide position is highly conserved in available vertebrate species. In silico splice site analysis predicts that this alteration will weaken the native splice donor site. Since supporting evidence is limited at this time, the clinical significance of this alteration remains unclear.